The following is an entry in ClinVar:

ClinVar aggregate classification (germline): Uncertain significance (1 of 4 stars; one submission).

Submission:

Labcorp Genetics (formerly Invitae), Labcorp
Classification: Uncertain significance. Last evaluated: 2024-05-22. Review status: criteria provided, single submitter. Criteria: Invitae Variant Classification Sherloc (09022015). Collection method: clinical testing. Allele origin: germline.
Comment: This sequence change falls in intron 3 of the SCLT1 gene. It does not directly change the encoded amino acid sequence of the SCLT1 protein. It affects a nucleotide within the consensus splice site. This variant is not present in population databases (gnomAD no frequency). This variant has not been reported in the literature in individuals affected with SCLT1-related conditions. ClinVar contains an entry for this variant (Variation ID: 1020371). Variants that disrupt the consensus splice site are a relatively common cause of aberrant splicing (PMID: 17576681, 9536098). Algorithms developed to predict the effect of sequence changes on RNA splicing suggest that this variant is not likely to affect RNA splicing. In summary, the available evidence is currently insufficient to determine the role of this variant in disease. Therefore, it has been classified as a Variant of Uncertain Significance.

Literature cited by the submitters: PubMed 17576681; PubMed 9536098.

NM_144643.4(SCLT1):c.161+5A>G

Gene: SCLT1 (sodium channel and clathrin linker 1; minus strand). Cytogenetic location: 4q28.2.
Variant type: single nucleotide variant.
Coding change: c.161+5A>G on transcript NM_144643.4 (MANE Select); 5 bases into the intron after coding-DNA position 161, A replaced by G.
Molecular consequence: intron variant.
Genome position (GRCh38, 1-based): chr4:129,043,988, T>C on the plus strand (A>G on the coding strand, the complement: SCLT1 is on the minus strand). VCF-style: chr4-129043988-T-C. GRCh37 (hg19) VCF-style: chr4-129965143-T-C.
Other names: c.161+5A>G (NM_001300898.2, NM_001300897.2).
Identifiers: ClinVar variation 1020371 (VCV001020371.6), dbSNP rs1747945246, ClinGen allele CA1493325029.